The following is an entry in ClinVar:

NM_000257.4(MYH7):c.5414T>G (p.Leu1805Arg)

Gene: MYH7 (myosin heavy chain 7; minus strand). Cytogenetic location: 14q11.2.
Variant type: single nucleotide variant.
Coding change: c.5414T>G on transcript NM_000257.4 (MANE Select); coding-DNA position 5414, T replaced by G.
Protein change: p.Leu1805Arg; replaces leucine 1805 with arginine.
Molecular consequence: missense variant.
Genome position (GRCh38, 1-based): chr14:23,415,140, A>C on the plus strand (T>G on the coding strand, the complement: MYH7 is on the minus strand). VCF-style: chr14-23415140-A-C. GRCh37 (hg19) VCF-style: chr14-23884349-A-C.
Other names: c.5414T>G, p.Leu1805Arg (NM_001407004.1); short protein forms L1805R.
Identifiers: ClinVar variation 2773891 (VCV002773891.2), dbSNP rs2138638382, ClinGen allele CA389035511.

ClinVar aggregate classification (germline): Uncertain significance (1 of 4 stars; one submission).

Conditions:
Cardiomyopathy (CMYO). Also called: Cardiomyopathies. Identifiers: Orphanet 167848, MedGen C0878544, MONDO:0004994, HP:0001638. Inheritance: Various modes of inheritance.

Submission:

Color Diagnostics, LLC DBA Color Health
Classification: Uncertain significance for Cardiomyopathy. Last evaluated: 2024-03-06. Review status: criteria provided, single submitter. Criteria: ACMG Guidelines, 2015. Collection method: clinical testing. Allele origin: germline.
Comment: This missense variant replaces leucine with arginine at codon 1805 of the MYH7 protein. Computational prediction suggests that this variant may have deleterious impact on protein structure and function (internally defined REVEL score threshold >= 0.7, PMID: 27666373). To our knowledge, functional studies have not been reported for this variant. This variant has not been reported in individuals affected with cardiovascular disorders in the literature. This variant has not been identified in the general population by the Genome Aggregation Database (gnomAD). The available evidence is insufficient to determine the role of this variant in disease conclusively. Therefore, this variant is classified as a Variant of Uncertain Significance.